The following is an entry in ClinVar:

NM_001134407.3(GRIN2A):c.3304G>A (p.Glu1102Lys)

Gene: GRIN2A (glutamate ionotropic receptor NMDA type subunit 2A; minus strand). Cytogenetic location: 16p13.2.
Variant type: single nucleotide variant.
Coding change: c.3304G>A on transcript NM_001134407.3 (MANE Select); coding-DNA position 3304, G replaced by A.
Protein change: p.Glu1102Lys; replaces glutamic acid 1102 with lysine.
Molecular consequence: missense variant.
Genome position (GRCh38, 1-based): chr16:9,764,240, C>T on the plus strand (G>A on the coding strand, the complement: GRIN2A is on the minus strand). VCF-style: chr16-9764240-C-T. GRCh37 (hg19) VCF-style: chr16-9858097-C-T.
Other names: c.3304G>A, p.Glu1102Lys (NM_000833.5, NM_001134408.2); short protein forms E1102K.
Identifiers: ClinVar variation 1393778 (VCV001393778.8), dbSNP rs770546037, ClinGen allele CA7896339.

ClinVar aggregate classification (germline): Uncertain significance (1 of 4 stars; one submission).

Conditions:
Landau-Kleffner syndrome (FESD). Also called: APHASIA, ACQUIRED, WITH EPILEPSY; EPILEPSY, FOCAL, WITH SPEECH DISORDER AND WITH OR WITHOUT MENTAL RETARDATION. Identifiers: Orphanet 1945, Orphanet 725, Orphanet 98818, MedGen C0282512, MONDO:0009509, OMIM 245570.

Allele frequency attached by ClinVar (database versions not stated): gnomAD exomes below 0.00001; ExAC 0.00001.

Submission:

Labcorp Genetics (formerly Invitae), Labcorp
Classification: Uncertain significance for Landau-Kleffner syndrome. Last evaluated: 2022-03-23. Review status: criteria provided, single submitter. Criteria: Invitae Variant Classification Sherloc (09022015). Collection method: clinical testing. Allele origin: germline.
Comment: This variant is present in population databases (rs770546037, gnomAD 0.0009%). This variant has not been reported in the literature in individuals affected with GRIN2A-related conditions. Advanced modeling of protein sequence and biophysical properties (such as structural, functional, and spatial information, amino acid conservation, physicochemical variation, residue mobility, and thermodynamic stability) performed at Invitae indicates that this missense variant is not expected to disrupt GRIN2A protein function. In summary, the available evidence is currently insufficient to determine the role of this variant in disease. Therefore, it has been classified as a Variant of Uncertain Significance. This sequence change replaces glutamic acid, which is acidic and polar, with lysine, which is basic and polar, at codon 1102 of the GRIN2A protein (p.Glu1102Lys).